The following is an entry in ClinVar:

ClinVar aggregate classification (germline): Uncertain significance (1 of 4 stars; one submission).

Allele frequency attached by ClinVar (database versions not stated): gnomAD exomes below 0.00001; TOPMed below 0.00001; gnomAD 0.00001.
gnomAD v4.1: 3 of 1,560,654 alleles (0.00019%); highest among the groups gnomAD compares: Admixed American, 0.0018%; no homozygotes.

Submission:

Labcorp Genetics (formerly Invitae), Labcorp
Classification: Uncertain significance. Last evaluated: 2020-12-22. Review status: criteria provided, single submitter. Criteria: Invitae Variant Classification Sherloc (09022015). Collection method: clinical testing. Allele origin: germline.
Comment: In summary, the available evidence is currently insufficient to determine the role of this variant in disease. Therefore, it has been classified as a Variant of Uncertain Significance. Algorithms developed to predict the effect of missense changes on protein structure and function are either unavailable or do not agree on the potential impact of this missense change (SIFT: "Deleterious"; PolyPhen-2: "Benign"; Align-GVGD: "Class C0"). This variant has not been reported in the literature in individuals with TRPC6-related conditions. This variant is not present in population databases (ExAC no frequency). This sequence change replaces asparagine with serine at codon 26 of the TRPC6 protein (p.Asn26Ser). The asparagine residue is weakly conserved and there is a small physicochemical difference between asparagine and serine.

NM_004621.6(TRPC6):c.77A>G (p.Asn26Ser)

Gene: TRPC6 (transient receptor potential cation channel subfamily C member 6; minus strand). Cytogenetic location: 11q22.1.
Variant type: single nucleotide variant.
Coding change: c.77A>G on transcript NM_004621.6 (MANE Select); coding-DNA position 77, A replaced by G.
Protein change: p.Asn26Ser; replaces asparagine 26 with serine.
Molecular consequence: missense variant.
Genome position (GRCh38, 1-based): chr11:101,583,427, T>C on the plus strand (A>G on the coding strand, the complement: TRPC6 is on the minus strand). VCF-style: chr11-101583427-T-C. GRCh37 (hg19) VCF-style: chr11-101454158-T-C.
Other names: short protein forms N26S.
Identifiers: ClinVar variation 1420418 (VCV001420418.8), dbSNP rs1862249224, ClinGen allele CA382444143.